The following is an entry in ClinVar:

ClinVar aggregate classification (germline): Uncertain significance (1 of 4 stars; one submission).

gnomAD v4.1: 2 of 1,613,986 alleles (0.00012%); highest among the groups gnomAD compares: East Asian, 0.0022%; no homozygotes.

Submission:

Labcorp Genetics (formerly Invitae), Labcorp
Classification: Uncertain significance. Last evaluated: 2021-05-27. Review status: criteria provided, single submitter. Criteria: Invitae Variant Classification Sherloc (09022015). Collection method: clinical testing. Allele origin: germline.
Comment: In summary, the available evidence is currently insufficient to determine the role of this variant in disease. Therefore, it has been classified as a Variant of Uncertain Significance. Advanced modeling of protein sequence and biophysical properties (such as structural, functional, and spatial information, amino acid conservation, physicochemical variation, residue mobility, and thermodynamic stability) performed at Invitae indicates that this missense variant is not expected to disrupt COL9A1 protein function. This variant has not been reported in the literature in individuals with COL9A1-related conditions. This variant is not present in population databases (ExAC no frequency). This sequence change replaces alanine with valine at codon 192 of the COL9A1 protein (p.Ala192Val). The alanine residue is moderately conserved and there is a small physicochemical difference between alanine and valine.

NM_001851.6(COL9A1):c.575C>T (p.Ala192Val)

Gene: COL9A1 (collagen type IX alpha 1 chain; minus strand). Cytogenetic location: 6q13.
Variant type: single nucleotide variant.
Coding change: c.575C>T on transcript NM_001851.6 (MANE Select); coding-DNA position 575, C replaced by T.
Protein change: p.Ala192Val; replaces alanine 192 with valine.
Molecular consequence: missense variant.
Genome position (GRCh38, 1-based): chr6:70,294,288, G>A on the plus strand (C>T on the coding strand, the complement: COL9A1 is on the minus strand). VCF-style: chr6-70294288-G-A. GRCh37 (hg19) VCF-style: chr6-71003991-G-A.
Other names: c.575C>T, p.Ala192Val (NM_001377291.1); short protein forms A192V.
Identifiers: ClinVar variation 1384628 (VCV001384628.6), dbSNP rs2127604996, ClinGen allele CA364670880.